The following is an entry in ClinVar:

ClinVar aggregate classification (germline): Uncertain significance (1 of 4 stars; one submission).

Conditions:
Autosomal recessive limb-girdle muscular dystrophy type R18 (LGMDR18). Also called: MUSCULAR DYSTROPHY, LIMB-GIRDLE, AUTOSOMAL RECESSIVE 18; Autosomal recessive limb-girdle muscular dystrophy type 2S; Limb-girdle muscular dystrophy, type 2S. Identifiers: Orphanet 369840, MedGen C4517996, MONDO:0014144, OMIM 615356.

Submission:

Labcorp Genetics (formerly Invitae), Labcorp
Classification: Uncertain significance for Autosomal recessive limb-girdle muscular dystrophy type R18. Last evaluated: 2022-07-11. Review status: criteria provided, single submitter. Criteria: Invitae Variant Classification Sherloc (09022015). Collection method: clinical testing. Allele origin: germline.
Comment: In summary, the available evidence is currently insufficient to determine the role of this variant in disease. Therefore, it has been classified as a Variant of Uncertain Significance. Algorithms developed to predict the effect of missense changes on protein structure and function are either unavailable or do not agree on the potential impact of this missense change (SIFT: "Deleterious"; PolyPhen-2: "Benign"; Align-GVGD: "Class C0"). ClinVar contains an entry for this variant (Variation ID: 1364739). This variant has not been reported in the literature in individuals affected with TRAPPC11-related conditions. This variant is present in population databases (rs138760818, gnomAD 0.0009%). This sequence change replaces glutamic acid, which is acidic and polar, with aspartic acid, which is acidic and polar, at codon 73 of the TRAPPC11 protein (p.Glu73Asp).

NM_021942.6(TRAPPC11):c.219G>T (p.Glu73Asp)

Gene: TRAPPC11 (trafficking protein particle complex subunit 11; plus strand). Cytogenetic location: 4q35.1.
Variant type: single nucleotide variant.
Coding change: c.219G>T on transcript NM_021942.6 (MANE Select); coding-DNA position 219, G replaced by T.
Protein change: p.Glu73Asp; replaces glutamic acid 73 with aspartic acid.
Molecular consequence: missense variant.
Genome position (GRCh38, 1-based): chr4:183,666,271, G>T. VCF-style: chr4-183666271-G-T. GRCh37 (hg19) VCF-style: chr4-184587424-G-T.
Other names: c.219G>T, p.Glu73Asp (NM_199053.3); short protein forms E73D.
Identifiers: ClinVar variation 1364739 (VCV001364739.8), dbSNP rs138760818, ClinGen allele CA3151534.
Genomic context (GRCh38, chr4:183,666,271, plus strand): 5'-TTCTGCTCCTGTCAGGTAACTTTTCAATTTCTGCCAATGTTTGCAGAGAACTTCATATGA[G>T]TGGTACATTCCTAAAGGGATCTTAAAGACTGGCTGGATGAATAAGCATCTGAATCTGGTG-3'
Protein context (NP_068761.4, residues 63-83): PKCRPKRTSY[Glu73Asp]WYIPKGILKT